The following is an entry in ClinVar:

NM_000486.6(AQP2):c.446C>A (p.Thr149Asn)

Genes: AQP2 (aquaporin 2; plus strand), AQP5-AS1 (AQP5 and AQP2 antisense RNA 2; minus strand). Cytogenetic location: 12q13.12.
Variant type: single nucleotide variant.
Coding change: c.446C>A on transcript NM_000486.6 (MANE Select); coding-DNA position 446, C replaced by A.
Protein change: p.Thr149Asn; replaces threonine 149 with asparagine.
Molecular consequence: missense variant. On other transcripts: non-coding transcript variant (1).
Genome position (GRCh38, 1-based): chr12:49,954,240, C>A. VCF-style: chr12-49954240-C-A. GRCh37 (hg19) VCF-style: chr12-50348023-C-A.
Other names: short protein forms T149N.
Identifiers: ClinVar variation 2786085 (VCV002786085.3), dbSNP rs146384248, ClinGen allele CA6559245.
Genomic context (GRCh38, chr12:49,954,240, plus strand): 5'-AGGCGGTGACTGTGGAGCTCTTCCTGACACTGCAGCTGGTGCTCTGCATCTTCGCCTCCA[C>A]CGATGAGCGCCGCGGAGAGAACCCGGGCACCCCTGCTCTCTCCATAGGCTTCTCTGTGGC-3'
Protein context (NP_000477.1, residues 139-159): LQLVLCIFAS[Thr149Asn]DERRGENPGT

ClinVar aggregate classification (germline): Uncertain significance (1 of 4 stars; one submission).

Allele frequency attached by ClinVar (database versions not stated): gnomAD exomes below 0.00001; ExAC 0.00002.

Submission:

Labcorp Genetics (formerly Invitae), Labcorp
Classification: Uncertain significance. Last evaluated: 2024-01-18. Review status: criteria provided, single submitter. Criteria: Invitae Variant Classification Sherloc (09022015). Collection method: clinical testing. Allele origin: germline.
Comment: This sequence change replaces threonine, which is neutral and polar, with asparagine, which is neutral and polar, at codon 149 of the AQP2 protein (p.Thr149Asn). This variant is present in population databases (rs146384248, gnomAD 0.006%). This variant has not been reported in the literature in individuals affected with AQP2-related conditions. Advanced modeling of protein sequence and biophysical properties (such as structural, functional, and spatial information, amino acid conservation, physicochemical variation, residue mobility, and thermodynamic stability) has been performed at Invitae for this missense variant, however the output from this modeling did not meet the statistical confidence thresholds required to predict the impact of this variant on AQP2 protein function. In summary, the available evidence is currently insufficient to determine the role of this variant in disease. Therefore, it has been classified as a Variant of Uncertain Significance.